The following is an entry in ClinVar:

ClinVar aggregate classification (germline): Uncertain significance. Review status: criteria provided, multiple submitters, no conflicts (2 of 4 stars). 2 submissions from 2 submitters: Uncertain significance (2). Last evaluated 2024-04-20.

Conditions:
Inborn genetic diseases. Identifiers: MedGen C0950123, MeSH D030342.

Allele frequency attached by ClinVar (database versions not stated): gnomAD exomes below 0.00001; gnomAD 0.00001; TOPMed 0.00002.
gnomAD v4.1: 4 of 1,612,858 alleles (0.00025%); highest among the groups gnomAD compares: African/African-American, 0.0053%; no homozygotes.

Submissions (2):

Ambry Genetics
Classification: Uncertain significance for Inborn genetic diseases. Last evaluated: 2024-04-20. Review status: criteria provided, single submitter. Criteria: Ambry Variant Classification Scheme 2023. Collection method: clinical testing. Allele origin: germline.

Labcorp Genetics (formerly Invitae), Labcorp
Classification: Uncertain significance. Last evaluated: 2022-06-20. Review status: criteria provided, single submitter. Criteria: Invitae Variant Classification Sherloc (09022015). Collection method: clinical testing. Allele origin: germline.
Comment: This sequence change replaces histidine, which is basic and polar, with aspartic acid, which is acidic and polar, at codon 52 of the ABCA4 protein (p.His52Asp). This variant is not present in population databases (gnomAD no frequency). This variant has not been reported in the literature in individuals affected with ABCA4-related conditions. ClinVar contains an entry for this variant (Variation ID: 835857). Algorithms developed to predict the effect of missense changes on protein structure and function (SIFT, PolyPhen-2, Align-GVGD) all suggest that this variant is likely to be disruptive. In summary, the available evidence is currently insufficient to determine the role of this variant in disease. Therefore, it has been classified as a Variant of Uncertain Significance.

NM_000350.3(ABCA4):c.154C>G (p.His52Asp)

Gene: ABCA4 (ATP binding cassette subfamily A member 4; minus strand). Cytogenetic location: 1p22.1.
Variant type: single nucleotide variant.
Coding change: c.154C>G on transcript NM_000350.3 (MANE Select); coding-DNA position 154, C replaced by G.
Protein change: p.His52Asp; replaces histidine 52 with aspartic acid.
Molecular consequence: missense variant.
Genome position (GRCh38, 1-based): chr1:94,112,979, G>C on the plus strand (C>G on the coding strand, the complement: ABCA4 is on the minus strand). VCF-style: chr1-94112979-G-C. GRCh37 (hg19) VCF-style: chr1-94578535-G-C.
Other names: c.154C>G, p.His52Asp (NM_001425324.1); short protein forms H52D.
Identifiers: ClinVar variation 835857 (VCV000835857.8), dbSNP rs941059389, ClinGen allele CA26842836.
Genomic context (GRCh38, chr1:94,112,979, plus strand): 5'-AGGCCCAGACCAAAGTCTCTTCAGGGCTTGCCCAAGCTACCCTGCTATGCTTACATTCAT[G>C]ATGGCTGTAGAGTGGGTTGGCATTCCTTAACCAGATCAAGACCAGAAATAAAGATAAAGG-3'
Protein context (NP_000341.2, residues 42-62): LRNANPLYSH[His52Asp]ECHFPNKAMP